The following is an entry in ClinVar:

NM_001252024.2(TRPM1):c.3106G>A (p.Val1036Met)

Genes: TRPM1 (transient receptor potential cation channel subfamily M member 1; minus strand), TRPM1-AS1 (TRPM1 antisense RNA 1; plus strand). Cytogenetic location: 15q13.3.
Variant type: single nucleotide variant.
Coding change: c.3106G>A on transcript NM_001252024.2 (MANE Select); coding-DNA position 3106, G replaced by A.
Protein change: p.Val1036Met; replaces valine 1036 with methionine.
Molecular consequence: missense variant.
Genome position (GRCh38, 1-based): chr15:31,031,004, C>T on the plus strand (G>A on the coding strand, the complement: TRPM1 is on the minus strand). VCF-style: chr15-31031004-C-T. GRCh37 (hg19) VCF-style: chr15-31323207-C-T.
Other names: c.3157G>A, p.Val1053Met (NM_001252020.2); c.3040G>A, p.Val1014Met (NM_002420.6); short protein forms V1014M, V1053M, V1036M.
Identifiers: ClinVar variation 1941522 (VCV001941522.5), dbSNP rs2504054840, ClinGen allele CA391544427.

ClinVar aggregate classification (germline): Uncertain significance (1 of 4 stars; one submission).

Allele frequency attached by ClinVar (database versions not stated): gnomAD exomes below 0.00001.
gnomAD v4.1: 2 of 1,614,186 alleles (0.00012%); highest among the groups gnomAD compares: African/African-American, 0.0013%; no homozygotes.

Submission:

Labcorp Genetics (formerly Invitae), Labcorp
Classification: Uncertain significance. Last evaluated: 2022-06-09. Review status: criteria provided, single submitter. Criteria: Invitae Variant Classification Sherloc (09022015). Collection method: clinical testing. Allele origin: germline.
Comment: This sequence change replaces valine, which is neutral and non-polar, with methionine, which is neutral and non-polar, at codon 1014 of the TRPM1 protein (p.Val1014Met). This variant is not present in population databases (gnomAD no frequency). This variant has not been reported in the literature in individuals affected with TRPM1-related conditions. Algorithms developed to predict the effect of missense changes on protein structure and function are either unavailable or do not agree on the potential impact of this missense change (SIFT: "Deleterious"; PolyPhen-2: "Probably Damaging"; Align-GVGD: "Class C15"). In summary, the available evidence is currently insufficient to determine the role of this variant in disease. Therefore, it has been classified as a Variant of Uncertain Significance.